The following is an entry in ClinVar:

ClinVar aggregate classification (germline): Uncertain significance (1 of 4 stars; one submission).

Conditions:
Polyhydramnios, megalencephaly, and symptomatic epilepsy (PMSE). Also called: PMSE SYNDROME. Identifiers: Orphanet 500533, MedGen C1970203, MONDO:0012611, OMIM 611087.

Allele frequency attached by ClinVar (database versions not stated): gnomAD exomes below 0.00001; TOPMed below 0.00001.
gnomAD v4.1: 4 of 1,613,896 alleles (0.00025%); highest among the groups gnomAD compares: Middle Eastern, 0.033%; no homozygotes.

Submission:

Labcorp Genetics (formerly Invitae), Labcorp
Classification: Uncertain significance for Polyhydramnios, megalencephaly, and symptomatic epilepsy. Last evaluated: 2022-08-14. Review status: criteria provided, single submitter. Criteria: Invitae Variant Classification Sherloc (09022015). Collection method: clinical testing. Allele origin: germline.
Comment: This sequence change replaces isoleucine, which is neutral and non-polar, with valine, which is neutral and non-polar, at codon 186 of the STRADA protein (p.Ile186Val). This variant is present in population databases (no rsID available, gnomAD 0.003%). This variant has not been reported in the literature in individuals affected with STRADA-related conditions. Algorithms developed to predict the effect of missense changes on protein structure and function are either unavailable or do not agree on the potential impact of this missense change (SIFT: "Tolerated"; PolyPhen-2: "Possibly Damaging"; Align-GVGD: "Class C15"). In summary, the available evidence is currently insufficient to determine the role of this variant in disease. Therefore, it has been classified as a Variant of Uncertain Significance.

NM_001003787.4(STRADA):c.556A>G (p.Ile186Val)

Genes: STRADA (STE20 related adaptor alpha; minus strand), LOC125312417 (Sharpr-MPRA regulatory region 9817; plus strand). Cytogenetic location: 17q23.3.
Variant type: single nucleotide variant.
Coding change: c.556A>G on transcript NM_001003787.4 (MANE Select); coding-DNA position 556, A replaced by G.
Protein change: p.Ile186Val; replaces isoleucine 186 with valine.
Molecular consequence: missense variant. On other transcripts: non-coding transcript variant (1).
Genome position (GRCh38, 1-based): chr17:63,710,516, T>C on the plus strand (A>G on the coding strand, the complement: STRADA is on the minus strand). VCF-style: chr17-63710516-T-C. GRCh37 (hg19) VCF-style: chr17-61787876-T-C.
Other names: c.445A>G, p.Ile149Val (NM_001003786.3, NM_001363789.1, NM_153335.6); c.382A>G, p.Ile128Val (NM_001003788.3, NM_001363790.1, NM_001363791.1); c.469A>G, p.Ile157Val (NM_001165969.2, NM_001363787.1, NM_001411084.1); c.424A>G, p.Ile142Val (NM_001165970.2); c.532A>G, p.Ile178Val (NM_001363786.1); c.556A>G, p.Ile186Val (NM_001363788.1, NM_001411083.1, NM_001411085.1); short protein forms I128V, I142V, I149V, I178V, I157V, I186V.
Identifiers: ClinVar variation 2062669 (VCV002062669.1), dbSNP rs974536314, ClinGen allele CA292945869.